The following is an entry in ClinVar:

NM_000465.4(BARD1):c.2005C>G (p.Pro669Ala)

Gene: BARD1 (BRCA1 associated RING domain 1; minus strand). Cytogenetic location: 2q35.
Variant type: single nucleotide variant.
Coding change: c.2005C>G on transcript NM_000465.4 (MANE Select); coding-DNA position 2005, C replaced by G.
Protein change: p.Pro669Ala; replaces proline 669 with alanine.
Molecular consequence: missense variant. On other transcripts: non-coding transcript variant (3).
Genome position (GRCh38, 1-based): chr2:214,729,005, G>C on the plus strand (C>G on the coding strand, the complement: BARD1 is on the minus strand). VCF-style: chr2-214729005-G-C. GRCh37 (hg19) VCF-style: chr2-215593729-G-C.
Other names: c.1948C>G, p.Pro650Ala (NM_001282543.2); c.652C>G, p.Pro218Ala (NM_001282545.2); c.595C>G, p.Pro199Ala (NM_001282548.2); c.466C>G, p.Pro156Ala (NM_001282549.2); c.2005C>G (NM_000465.2); short protein forms P156A, P199A, P218A, P650A, P669A.
Identifiers: ClinVar variation 1802704 (VCV001802704.6), dbSNP rs2105988056, ClinGen allele CA350450824.

ClinVar aggregate classification (germline): Uncertain significance. Review status: criteria provided, multiple submitters, no conflicts (2 of 4 stars). 2 submissions from 2 submitters: Uncertain significance (2). Last evaluated 2026-07-06.

Conditions:
Hereditary cancer-predisposing syndrome. Also called: Hereditary Cancer Syndrome; Hereditary neoplastic syndrome; Neoplastic Syndromes, Hereditary; Tumor predisposition. Identifiers: Orphanet 140162, MedGen C0027672, MeSH D009386, MONDO:0015356.

Submissions (2):

Ambry Genetics
Classification: Uncertain significance for Hereditary cancer-predisposing syndrome. Last evaluated: 2026-07-06. Review status: criteria provided, single submitter. Criteria: Ambry Variant Classification Scheme 2023. Collection method: clinical testing. Allele origin: germline.
Comment: The p.P669A variant (also known as c.2005C>G), located in coding exon 11 of the BARD1 gene, results from a C to G substitution at nucleotide position 2005. The proline at codon 669 is replaced by alanine, an amino acid with highly similar properties. This amino acid position is conserved. In addition, the in silico prediction for this alteration is inconclusive. Based on the available evidence, the clinical significance of this variant remains unclear.

Center for Genomic Medicine, Rigshospitalet, Copenhagen University Hospital
Classification: Uncertain significance. Last evaluated: 2025-03-04. Review status: criteria provided, single submitter. Criteria: ACMG Guidelines, 2015. Collection method: clinical testing. Allele origin: germline.